The following is an entry in ClinVar:

NM_003355.3(UCP2):c.355C>T (p.Arg119Cys)

Gene: UCP2 (uncoupling protein 2; minus strand). Cytogenetic location: 11q13.4.
Variant type: single nucleotide variant.
Coding change: c.355C>T on transcript NM_003355.3 (MANE Select); coding-DNA position 355, C replaced by T.
Protein change: p.Arg119Cys; replaces arginine 119 with cysteine.
Molecular consequence: missense variant. On other transcripts: intron variant (1).
Genome position (GRCh38, 1-based): chr11:73,977,000, G>A on the plus strand (C>T on the coding strand, the complement: UCP2 is on the minus strand). VCF-style: chr11-73977000-G-A. GRCh37 (hg19) VCF-style: chr11-73688045-G-A.
Other names: c.355C>T, p.Arg119Cys (NM_001381943.1, NM_001381944.1, NM_001381945.1 and 3 more transcripts); c.338-258C>T (NM_001381950.1); short protein forms R119C.
Identifiers: ClinVar variation 3656345 (VCV003656345.2).

ClinVar aggregate classification (germline): Uncertain significance (1 of 4 stars; one submission).

gnomAD v4.1: 11 of 1,600,720 alleles (0.00069%); highest among the groups gnomAD compares: East Asian, 0.0022%; no homozygotes.

Submission:

Labcorp Genetics (formerly Invitae), Labcorp
Classification: Uncertain significance. Last evaluated: 2024-06-19. Review status: criteria provided, single submitter. Criteria: Invitae Variant Classification Sherloc (09022015). Collection method: clinical testing. Allele origin: germline.
Comment: This sequence change replaces arginine, which is basic and polar, with cysteine, which is neutral and slightly polar, at codon 119 of the UCP2 protein (p.Arg119Cys). This variant is not present in population databases (gnomAD no frequency). This variant has not been reported in the literature in individuals affected with UCP2-related conditions. An algorithm developed to predict the effect of missense changes on protein structure and function (PolyPhen-2) suggests that this variant is likely to be disruptive. In summary, the available evidence is currently insufficient to determine the role of this variant in disease. Therefore, it has been classified as a Variant of Uncertain Significance.